The following is an entry in ClinVar:

ClinVar aggregate classification (germline): Uncertain significance (1 of 4 stars; one submission).

Submission:

Labcorp Genetics (formerly Invitae), Labcorp
Classification: Uncertain significance. Last evaluated: 2023-02-18. Review status: criteria provided, single submitter. Criteria: Invitae Variant Classification Sherloc (09022015). Collection method: clinical testing. Allele origin: germline.
Comment: This sequence change replaces methionine, which is neutral and non-polar, with leucine, which is neutral and non-polar, at codon 464 of the NAA15 protein (p.Met464Leu). This variant is not present in population databases (gnomAD no frequency). In summary, the available evidence is currently insufficient to determine the role of this variant in disease. Therefore, it has been classified as a Variant of Uncertain Significance. An algorithm developed to predict the effect of missense changes on protein structure and function (PolyPhen-2) suggests that this variant is likely to be tolerated. This variant has not been reported in the literature in individuals affected with NAA15-related conditions.

NM_057175.5(NAA15):c.1390A>T (p.Met464Leu)

Gene: NAA15 (N-alpha-acetyltransferase 15, NatA auxiliary subunit; plus strand). Cytogenetic location: 4q31.1.
Variant type: single nucleotide variant.
Coding change: c.1390A>T on transcript NM_057175.5 (MANE Select); coding-DNA position 1390, A replaced by T.
Protein change: p.Met464Leu; replaces methionine 464 with leucine.
Molecular consequence: missense variant.
Genome position (GRCh38, 1-based): chr4:139,359,875, A>T. VCF-style: chr4-139359875-A-T. GRCh37 (hg19) VCF-style: chr4-140281029-A-T.
Other names: c.1390A>T, p.Met464Leu (NM_001410842.1, NM_025085.2); short protein forms M464L.
Identifiers: ClinVar variation 2981737 (VCV002981737.3), dbSNP rs202141041, ClinGen allele CA358267559.